The following is an entry in ClinVar:

NM_001394062.1(MACF1):c.20766A>G (p.Glu6922=)

Gene: MACF1 (microtubule actin crosslinking factor 1; plus strand). Cytogenetic location: 1p34.3.
Variant type: single nucleotide variant.
Coding change: c.20766A>G on transcript NM_001394062.1 (MANE Select); coding-DNA position 20766, A replaced by G.
Protein change: p.Glu6922=; no amino-acid change (glutamic acid 6922 retained).
Molecular consequence: synonymous variant.
Genome position (GRCh38, 1-based): chr1:39,453,730, A>G. VCF-style: chr1-39453730-A-G. GRCh37 (hg19) VCF-style: chr1-39919402-A-G.
Other names: c.8844A>G, p.Glu2948= (NM_001397473.1); c.14589A>G, p.Glu4863= (NM_012090.5).
Identifiers: ClinVar variation 3049169 (VCV003049169.5), dbSNP rs199628828, ClinGen allele CA784465.

ClinVar aggregate classification (germline): Benign/Likely benign. Review status: criteria provided, multiple submitters, no conflicts (2 of 4 stars). 3 submissions from 3 submitters: Benign (1); Likely benign (1). 1 of the submissions does not count toward it. Last evaluated 2024-08-29.

Conditions:
MACF1-related disorder. Also called: MACF1-related condition.

Allele frequency attached by ClinVar (database versions not stated): TOPMed 0.00008; gnomAD exomes 0.00009; gnomAD 0.00014; ExAC 0.00032; 1000 Genomes Project 30x 0.00078; 1000 Genomes Project 0.00080.
gnomAD v4.1: 162 of 1,614,202 alleles (0.01%); highest among the groups gnomAD compares: East Asian, 0.096%; 1 homozygote.

Submissions (3):

Blueprint Genetics
Classification: Likely benign. Last evaluated: 2024-08-29. Review status: criteria provided, single submitter. Criteria: ACMG Guidelines, 2015. Collection method: clinical testing. Allele origin: germline.

Labcorp Genetics (formerly Invitae), Labcorp
Classification: Benign. Last evaluated: 2024-02-22. Review status: criteria provided, single submitter. Criteria: Invitae Variant Classification Sherloc (09022015). Collection method: clinical testing. Allele origin: germline.

PreventionGenetics, part of Exact Sciences
Classification: Likely benign for MACF1-related condition. Last evaluated: 2019-03-29. Review status: no assertion criteria provided. Collection method: clinical testing. Allele origin: germline. Not counted in ClinVar's aggregate classification.
Comment: This variant is classified as likely benign based on ACMG/AMP sequence variant interpretation guidelines (Richards et al. 2015 PMID: 25741868, with internal and published modifications).